The following is an entry in ClinVar:

ClinVar aggregate classification (germline): Conflicting classifications of pathogenicity. Review status: criteria provided, conflicting classifications (1 of 4 stars). 2 submissions from 2 submitters: Uncertain significance (1); Likely benign (1). Last evaluated 2023-11-02.

Conditions:
Charcot-Marie-Tooth disease axonal type 2O. Also called: Charcot-Marie-Tooth disease, axonal, type 20; CHARCOT-MARIE-TOOTH NEUROPATHY, AXONAL, TYPE 2O; CHARCOT-MARIE-TOOTH DISEASE, AXONAL, AUTOSOMAL DOMINANT, TYPE 2O; Charcot-Marie-Tooth Neuropathy Type 2O. Identifiers: Orphanet 284232, MedGen C3280220, MONDO:0013644, OMIM 614228.

Allele frequency attached by ClinVar (database versions not stated): gnomAD exomes below 0.00001; gnomAD 0.00001.
gnomAD v4.1: 2 of 1,614,086 alleles (0.00012%); highest among the groups gnomAD compares: Non-Finnish European, 0.00017%; no homozygotes.

Submissions (2):

Labcorp Genetics (formerly Invitae), Labcorp
Classification: Likely benign for Charcot-Marie-Tooth disease axonal type 2O. Last evaluated: 2023-11-02. Review status: criteria provided, single submitter. Criteria: Invitae Variant Classification Sherloc (09022015). Collection method: clinical testing. Allele origin: germline.

GeneDx
Classification: Uncertain significance. Last evaluated: 2020-01-21. Review status: criteria provided, single submitter. Criteria: GeneDx Variant Classification Process June 2021. Collection method: clinical testing. Allele origin: germline. Affected: yes.
Comment: Not observed at a significant frequency in large population cohorts (Lek et al., 2016); Has not been previously published as pathogenic or benign to our knowledge; In-silico analysis, which includes splice predictors and evolutionary conservation, is inconclusive as to whether the variant alters gene splicing. In the absence of RNA/functional studies, the actual effect of this sequence change is unknown

NM_001376.5(DYNC1H1):c.12639G>A (p.Arg4213=)

Gene: DYNC1H1 (dynein cytoplasmic 1 heavy chain 1; plus strand). Cytogenetic location: 14q32.31.
Variant type: single nucleotide variant.
Coding change: c.12639G>A on transcript NM_001376.5 (MANE Select); coding-DNA position 12639, G replaced by A.
Protein change: p.Arg4213=; no amino-acid change (arginine 4213 retained).
Molecular consequence: synonymous variant.
Genome position (GRCh38, 1-based): chr14:102,044,000, G>A. VCF-style: chr14-102044000-G-A. GRCh37 (hg19) VCF-style: chr14-102510337-G-A.
Identifiers: ClinVar variation 765544 (VCV000765544.11), dbSNP rs1289916492, ClinGen allele CA488186620.
Genomic context (GRCh38, chr14:102,044,000, plus strand): 5'-CTTACGATACGCACCACTGGGGTGGTCAAAGAAGTATGAATTTGGAGAGTCTGACCTGCG[G>A]TCAGCTTGCGATACGGTGGACACGTGGCTGGATGACACGGCCAAGGCAAGTGTGGGCCAT-3'
Protein context (NP_001367.2, residues 4203-4223): KKYEFGESDL[Arg4213=]SACDTVDTWL